The following is an entry in ClinVar:

ClinVar aggregate classification (germline): Uncertain significance. Review status: criteria provided, multiple submitters, no conflicts (2 of 4 stars). 4 submissions from 4 submitters: Uncertain significance (4). Last evaluated 2025-08-27.

Conditions:
SLC17A8-related disorder. Also called: SLC17A8-related condition.
Inborn genetic diseases. Identifiers: MedGen C0950123, MeSH D030342.
Autosomal dominant nonsyndromic hearing loss 25. Identifiers: Orphanet 90635, MedGen C1854158, MONDO:0011568, OMIM 605583.

Allele frequency attached by ClinVar (database versions not stated): ExAC 0.00001; gnomAD 0.00001; gnomAD exomes 0.00002; TOPMed 0.00003.

Submissions (4):

PreventionGenetics, part of Exact Sciences
Classification: Uncertain significance for SLC17A8-related condition. Last evaluated: 2025-08-27. Review status: criteria provided, single submitter. Criteria: ACMG Guidelines, 2015. Collection method: clinical testing. Allele origin: germline.
Comment: The SLC17A8 c.766A>C variant is predicted to result in the amino acid substitution p.Met256Leu. To our knowledge, this variant has not been reported in the literature. This variant is reported in 0.0035% of alleles in individuals of European (Non-Finnish) descent in gnomAD. At this time, the clinical significance of this variant is uncertain due to the absence of conclusive functional and genetic evidence.

Ambry Genetics
Classification: Uncertain significance for Inborn genetic diseases. Last evaluated: 2024-12-22. Review status: criteria provided, single submitter. Criteria: Ambry Variant Classification Scheme 2023. Collection method: clinical testing. Allele origin: germline.

GeneDx
Classification: Uncertain significance. Last evaluated: 2021-04-16. Review status: criteria provided, single submitter. Criteria: GeneDx Variant Classification Process June 2021. Collection method: clinical testing. Allele origin: germline. Affected: yes.
Comment: In silico analysis supports that this missense variant does not alter protein structure/function; Has not been previously published as pathogenic or benign to our knowledge

Illumina Laboratory Services, Illumina
Classification: Uncertain significance for Autosomal dominant nonsyndromic hearing loss 25. Last evaluated: 2018-01-13. Review status: criteria provided, single submitter. Criteria: ICSL Variant Classification Criteria 13 December 2019. Collection method: clinical testing. Allele origin: germline.

NM_139319.3(SLC17A8):c.766A>C (p.Met256Leu)

Gene: SLC17A8 (solute carrier family 17 member 8; plus strand). Cytogenetic location: 12q23.1.
Variant type: single nucleotide variant.
Coding change: c.766A>C on transcript NM_139319.3 (MANE Select); coding-DNA position 766, A replaced by C.
Protein change: p.Met256Leu; replaces methionine 256 with leucine.
Molecular consequence: missense variant.
Genome position (GRCh38, 1-based): chr12:100,402,342, A>C. VCF-style: chr12-100402342-A-C. GRCh37 (hg19) VCF-style: chr12-100796120-A-C.
Other names: c.766A>C, p.Met256Leu (NM_001145288.2); short protein forms M256L.
Identifiers: ClinVar variation 882028 (VCV000882028.7), dbSNP rs751132044, ClinGen allele CA6738856.